The following is an entry in ClinVar:

NM_000059.4(BRCA2):c.4262T>C (p.Phe1421Ser)

Gene: BRCA2 (BRCA2 DNA repair associated; plus strand). Cytogenetic location: 13q13.1.
Variant type: single nucleotide variant.
Coding change: c.4262T>C on transcript NM_000059.4 (MANE Select); coding-DNA position 4262, T replaced by C.
Protein change: p.Phe1421Ser; replaces phenylalanine 1421 with serine.
Molecular consequence: missense variant. On other transcripts: non-coding transcript variant (1), intron variant (2).
Genome position (GRCh38, 1-based): chr13:32,338,617, T>C. VCF-style: chr13-32338617-T-C. GRCh37 (hg19) VCF-style: chr13-32912754-T-C.
Other names: c.4262T>C, p.Phe1421Ser (NM_001406719.1, NM_001406720.1); c.1909+5230T>C (NM_001406721.1); c.425-5941T>C (NM_001406722.1); short protein forms F1421S.
Identifiers: ClinVar variation 3261640 (VCV003261640.2).

ClinVar aggregate classification (germline): Uncertain significance. Review status: criteria provided, multiple submitters, no conflicts (2 of 4 stars). 2 submissions from 2 submitters: Uncertain significance (2). Last evaluated 2025-12-08.

Conditions:
Hereditary breast ovarian cancer syndrome. Also called: Hereditary breast and ovarian cancer; Hereditary breast and ovarian cancer syndrome (HBOC); BRCA1- and BRCA2-Associated Hereditary Breast and Ovarian Cancer; Hereditary breast and ovarian cancer syndrome; Hereditary breast and/or ovarian cancer syndrome; Breast and ovarian cancer. Identifiers: Orphanet 145, MedGen C0677776, MeSH D061325, MONDO:0003582. Disease mechanism: loss of function.
Hereditary cancer-predisposing syndrome. Also called: Hereditary Cancer Syndrome; Tumor predisposition; Hereditary neoplastic syndrome; Neoplastic Syndromes, Hereditary. Identifiers: Orphanet 140162, MedGen C0027672, MeSH D009386, MONDO:0015356.

Submissions (2):

Labcorp Genetics (formerly Invitae), Labcorp
Classification: Uncertain significance for Hereditary breast ovarian cancer syndrome. Last evaluated: 2025-12-08. Review status: criteria provided, single submitter. Criteria: Invitae Variant Classification Sherloc (09022015). Collection method: clinical testing. Allele origin: germline.
Comment: This sequence change replaces phenylalanine, which is neutral and non-polar, with serine, which is neutral and polar, at codon 1421 of the BRCA2 protein (p.Phe1421Ser). This variant is not present in population databases (gnomAD no frequency). This missense change has been observed in individual(s) with breast cancer (PMID: 27221885). This variant is also known as c.4490T>C. ClinVar contains an entry for this variant (Variation ID: 3261640). Invitae Evidence Modeling of protein sequence and biophysical properties (such as structural, functional, and spatial information, amino acid conservation, physicochemical variation, residue mobility, and thermodynamic stability) indicates that this missense variant is not expected to disrupt BRCA2 protein function with a negative predictive value of 95%. In summary, the available evidence is currently insufficient to determine the role of this variant in disease. Therefore, it has been classified as a Variant of Uncertain Significance.

Ambry Genetics
Classification: Uncertain significance for Hereditary cancer-predisposing syndrome. Last evaluated: 2024-06-11. Review status: criteria provided, single submitter. Criteria: Ambry Variant Classification Scheme 2023. Collection method: clinical testing. Allele origin: germline.
Comment: The p.F1421S variant (also known as c.4262T>C), located in coding exon 10 of the BRCA2 gene, results from a T to C substitution at nucleotide position 4262. The phenylalanine at codon 1421 is replaced by serine, an amino acid with highly dissimilar properties. This amino acid position is poorly conserved in available vertebrate species. In addition, this alteration is predicted to be tolerated by in silico analysis. Based on the available evidence, the clinical significance of this variant remains unclear.

Literature cited by the submitters: PubMed 27221885 (cited by Labcorp Genetics (formerly Invitae), Labcorp).